The following is an entry in ClinVar:

NM_000553.6(WRN):c.3321G>T (p.Glu1107Asp)

Gene: WRN (WRN RecQ like helicase; plus strand). Cytogenetic location: 8p12.
Variant type: single nucleotide variant.
Coding change: c.3321G>T on transcript NM_000553.6 (MANE Select); coding-DNA position 3321, G replaced by T.
Protein change: p.Glu1107Asp; replaces glutamic acid 1107 with aspartic acid.
Molecular consequence: missense variant.
Genome position (GRCh38, 1-based): chr8:31,143,561, G>T. VCF-style: chr8-31143561-G-T. GRCh37 (hg19) VCF-style: chr8-31001077-G-T.
Other names: short protein forms E1107D.
Identifiers: ClinVar variation 1047472 (VCV001047472.2), dbSNP rs1228541145, ClinGen allele CA370924004.

ClinVar aggregate classification (germline): Uncertain significance (1 of 4 stars; one submission).

Conditions:
Werner syndrome (WRN). Identifiers: Orphanet 902, MedGen C0043119, MONDO:0010196, OMIM 277700.

Allele frequency attached by ClinVar (database versions not stated): TOPMed below 0.00001; gnomAD exomes 0.00001.
gnomAD v4.1: 3 of 1,591,388 alleles (0.00019%); highest among the groups gnomAD compares: South Asian, 0.0023%; no homozygotes.

Submission:

Labcorp Genetics (formerly Invitae), Labcorp
Classification: Uncertain significance for Werner syndrome. Last evaluated: 2022-07-26. Review status: criteria provided, single submitter. Criteria: Invitae Variant Classification Sherloc (09022015). Collection method: clinical testing. Allele origin: germline.
Comment: This sequence change replaces glutamic acid, which is acidic and polar, with aspartic acid, which is acidic and polar, at codon 1107 of the WRN protein (p.Glu1107Asp). This variant is not present in population databases (gnomAD no frequency). This variant has not been reported in the literature in individuals affected with WRN-related conditions. ClinVar contains an entry for this variant (Variation ID: 1047472). Algorithms developed to predict the effect of missense changes on protein structure and function output the following: SIFT: "Not Available"; PolyPhen-2: "Benign"; Align-GVGD: "Not Available". The aspartic acid amino acid residue is found in multiple mammalian species, which suggests that this missense change does not adversely affect protein function. Algorithms developed to predict the effect of sequence changes on RNA splicing suggest that this variant may disrupt the consensus splice site. In summary, the available evidence is currently insufficient to determine the role of this variant in disease. Therefore, it has been classified as a Variant of Uncertain Significance.